The following is an entry in ClinVar:

ClinVar aggregate classification (germline): Uncertain significance (1 of 4 stars; one submission).

Conditions:
Inborn genetic diseases. Identifiers: MedGen C0950123, MeSH D030342.

Submission:

Ambry Genetics
Classification: Uncertain significance for Inborn genetic diseases. Last evaluated: 2026-07-13. Review status: criteria provided, single submitter. Criteria: Ambry Variant Classification Scheme 2023. Collection method: clinical testing. Allele origin: germline.
Comment: The p.S351T variant (also known as c.1051T>A), located in coding exon 9 of the ANKRD26 gene, results from a T to A substitution at nucleotide position 1051. The serine at codon 351 is replaced by threonine, an amino acid with similar properties. This amino acid position is conserved. In addition, this alteration is predicted to be tolerated by in silico analysis. Based on the available evidence, the clinical significance of this variant remains unclear.

NM_014915.3(ANKRD26):c.1051T>A (p.Ser351Thr)

Gene: ANKRD26 (ankyrin repeat domain 26; minus strand). Cytogenetic location: 10p12.1.
Variant type: single nucleotide variant.
Coding change: c.1051T>A on transcript NM_014915.3 (MANE Select); coding-DNA position 1051, T replaced by A.
Protein change: p.Ser351Thr; replaces serine 351 with threonine.
Molecular consequence: missense variant.
Genome position (GRCh38, 1-based): chr10:27,077,364, A>T on the plus strand (T>A on the coding strand, the complement: ANKRD26 is on the minus strand). VCF-style: chr10-27077364-A-T. GRCh37 (hg19) VCF-style: chr10-27366293-A-T.
Other names: c.1051T>A, p.Ser351Thr (NM_001256053.2); short protein forms S351T.
Identifiers: ClinVar variation 5023021 (VCV005023021.1).